The following is an entry in ClinVar:

ClinVar aggregate classification (germline): Uncertain significance (1 of 4 stars; one submission).

Conditions:
Hereditary cancer-predisposing syndrome. Also called: Neoplastic Syndromes, Hereditary; Tumor predisposition; Hereditary Cancer Syndrome; Hereditary neoplastic syndrome. Identifiers: Orphanet 140162, MedGen C0027672, MeSH D009386, MONDO:0015356.

Submission:

Ambry Genetics
Classification: Uncertain significance for Hereditary cancer-predisposing syndrome. Last evaluated: 2026-01-04. Review status: criteria provided, single submitter. Criteria: Ambry Variant Classification Scheme 2023. Collection method: clinical testing. Allele origin: germline.
Comment: The p.G28R variant (also known as c.82G>A), located in coding exon 1 of the GREM1 gene, results from a G to A substitution at nucleotide position 82. The glycine at codon 28 is replaced by arginine, an amino acid with dissimilar properties. This amino acid position is conserved. In addition, the in silico prediction for this alteration is inconclusive. Based on the available evidence, the clinical significance of this variant remains unclear.

NM_013372.7(GREM1):c.82G>A (p.Gly28Arg)

Gene: GREM1 (gremlin 1, DAN family BMP antagonist; plus strand). Cytogenetic location: 15q13.3.
Variant type: single nucleotide variant.
Coding change: c.82G>A on transcript NM_013372.7 (MANE Select); coding-DNA position 82, G replaced by A.
Protein change: p.Gly28Arg; replaces glycine 28 with arginine.
Molecular consequence: missense variant. On other transcripts: intron variant (1).
Genome position (GRCh38, 1-based): chr15:32,730,772, G>A. VCF-style: chr15-32730772-G-A. GRCh37 (hg19) VCF-style: chr15-33022973-G-A.
Other names: c.82G>A, p.Gly28Arg (NM_001368719.1, NM_001191323.2); c.27+55G>A (NM_001191322.2); short protein forms G28R.
Identifiers: ClinVar variation 4843326 (VCV004843326.1).